The following is an entry in ClinVar:

NM_006397.3(RNASEH2A):c.290C>T (p.Ser97Phe)

Gene: RNASEH2A (ribonuclease H2 subunit A; plus strand). Cytogenetic location: 19p13.13.
Variant type: single nucleotide variant.
Coding change: c.290C>T on transcript NM_006397.3 (MANE Select); coding-DNA position 290, C replaced by T.
Protein change: p.Ser97Phe; replaces serine 97 with phenylalanine.
Molecular consequence: missense variant.
Genome position (GRCh38, 1-based): chr19:12,807,296, C>T. VCF-style: chr19-12807296-C-T. GRCh37 (hg19) VCF-style: chr19-12918110-C-T.
Other names: short protein forms S97F.
Identifiers: ClinVar variation 548457 (VCV000548457.7), dbSNP rs1457758264, ClinGen allele CA404265247.

ClinVar aggregate classification (germline): Uncertain significance. Review status: criteria provided, multiple submitters, no conflicts (2 of 4 stars). 2 submissions from 2 submitters: Uncertain significance (2). Last evaluated 2022-08-19.

Conditions:
Aicardi-Goutieres syndrome 4. Identifiers: Orphanet 51, MedGen C1835912, MONDO:0012472, OMIM 610333.

Allele frequency attached by ClinVar (database versions not stated): TOPMed below 0.00001; gnomAD exomes below 0.00001.
gnomAD v4.1: 1 of 1,614,174 alleles (0.000062%); highest among the groups gnomAD compares: Non-Finnish European, 0.000085%; no homozygotes.

Submissions (2):

Labcorp Genetics (formerly Invitae), Labcorp
Classification: Uncertain significance for Aicardi-Goutieres syndrome 4. Last evaluated: 2022-08-19. Review status: criteria provided, single submitter. Criteria: Invitae Variant Classification Sherloc (09022015). Collection method: clinical testing. Allele origin: germline.
Comment: This sequence change replaces serine, which is neutral and polar, with phenylalanine, which is neutral and non-polar, at codon 97 of the RNASEH2A protein (p.Ser97Phe). In summary, the available evidence is currently insufficient to determine the role of this variant in disease. Therefore, it has been classified as a Variant of Uncertain Significance. Algorithms developed to predict the effect of missense changes on protein structure and function (SIFT, PolyPhen-2, Align-GVGD) all suggest that this variant is likely to be disruptive. ClinVar contains an entry for this variant (Variation ID: 548457). This variant has not been reported in the literature in individuals affected with RNASEH2A-related conditions. This variant is present in population databases (no rsID available, gnomAD 0.0009%).

Genomic Research Center, Shahid Beheshti University of Medical Sciences
Classification: Uncertain significance for Aicardi-Goutieres syndrome 4. Last evaluated: 2018-03-05. Review status: criteria provided, single submitter. Criteria: ACMG Guidelines, 2015. Collection method: clinical testing. Allele origin: inherited. Affected: yes. Observed: 1 variant allele.